The following is an entry in ClinVar:

NM_206933.4(USH2A):c.14782C>T (p.Gln4928Ter)

Gene: USH2A (usherin; minus strand). Cytogenetic location: 1q41.
Variant type: single nucleotide variant.
Coding change: c.14782C>T on transcript NM_206933.4 (MANE Select); coding-DNA position 14782, C replaced by T.
Protein change: p.Gln4928Ter; replaces glutamine 4928 with a stop codon.
Molecular consequence: nonsense.
Genome position (GRCh38, 1-based): chr1:215,647,531, G>A on the plus strand (C>T on the coding strand, the complement: USH2A is on the minus strand). VCF-style: chr1-215647531-G-A. GRCh37 (hg19) VCF-style: chr1-215820873-G-A.
Other names: short protein forms Q4928*.
Identifiers: ClinVar variation 4817102 (VCV004817102.3).

ClinVar aggregate classification (germline): Pathogenic/Likely pathogenic. Review status: criteria provided, multiple submitters, no conflicts (2 of 4 stars). 3 submissions from 3 submitters: Pathogenic (1); Likely pathogenic (2). Last evaluated 2026-01-23.

Conditions:
Usher syndrome type 2A. Also called: RETINAL DISEASE IN USHER SYNDROME TYPE IIA, MODIFIER OF; USHER SYNDROME, TYPE IIA. Identifiers: Orphanet 231178, Orphanet 886, MedGen C1848634, MONDO:0010169, OMIM 276901.
Retinitis pigmentosa 39 (RP39). Identifiers: Orphanet 791, MedGen C3151138, MONDO:0013436, OMIM 613809.
USH2A-related disorder. Also called: USH2A-related condition; USH2A-related disorders. Identifiers: MedGen CN239332.

Submissions (3):

3billion
Classification: Likely pathogenic for Retinitis pigmentosa 39. Last evaluated: 2026-01-23. Review status: criteria provided, single submitter. Criteria: ACMG Guidelines, 2015. Collection method: clinical testing. Allele origin: germline. Affected: yes.
Comment: The variant is not observed in the gnomAD v4.1.0 dataset. Predicted Consequence/Location: Stop-gained (nonsense): predicted to result in a loss or disruption of normal protein function through nonsense-mediated decay (NMD) or protein truncation. Multiple pathogenic variants are reported downstream of the variant. Therefore, this variant is classified as Likely pathogenic according to the recommendation of ACMG/AMP guideline.

Natera, Inc.
Classification: Likely pathogenic for Usher syndrome type 2A. Last evaluated: 2024-03-28. Review status: criteria provided, single submitter. Criteria: Natera Variant Classification Schema (03/2026). Collection method: clinical testing. Allele origin: germline.
Comment: The c.14782C>T variant in USH2A is a nonsense variant predicted to introduce a stop codon at amino acid 4928. This variant is expected to result in nonsense mediated decay, truncation, or a dysfunctional protein product. This variant is rare in the general population with a frequency below the threshold expected for the associated phenotype(s). Given the available evidence, this variant is classified as Likely Pathogenic.

Myriad Genetics, Inc.
Classification: Pathogenic for USH2A-related disorder. Last evaluated: 2023-08-23. Review status: criteria provided, single submitter. Criteria: Myriad Autosomal Dominant, Autosomal Recessive and X-Linked Classification Criteria (2023). Collection method: clinical testing. Allele origin: unknown.
Comment: NM_206933.2(USH2A):c.14782C>T(Q4928*) is expected to be pathogenic in the context of USH2A-related disorders. This variant is predicted to lead to an abnormal or absent protein product due to the creation of a premature termination codon in USH2A, a gene where loss-of-function variants are known to be pathogenic. Please note: this variant was assessed in the context of healthy population screening.